The following is an entry in ClinVar:

NM_000228.3(LAMB3):c.472C>T (p.Pro158Ser)

Gene: LAMB3 (laminin subunit beta 3; minus strand). Cytogenetic location: 1q32.2.
Variant type: single nucleotide variant.
Coding change: c.472C>T on transcript NM_000228.3 (MANE Select); coding-DNA position 472, C replaced by T.
Protein change: p.Pro158Ser; replaces proline 158 with serine.
Molecular consequence: missense variant.
Genome position (GRCh38, 1-based): chr1:209,634,539, G>A on the plus strand (C>T on the coding strand, the complement: LAMB3 is on the minus strand). VCF-style: chr1-209634539-G-A. GRCh37 (hg19) VCF-style: chr1-209807884-G-A.
Other names: c.472C>T, p.Pro158Ser (NM_001017402.2, NM_001127641.1); short protein forms P158S.
Identifiers: ClinVar variation 4744302 (VCV004744302.1).

ClinVar aggregate classification (germline): Uncertain significance (1 of 4 stars; one submission).

gnomAD v4.1: 3 of 1,614,044 alleles (0.00019%); highest among the groups gnomAD compares: East Asian, 0.0067%; no homozygotes.

Submission:

Labcorp Genetics (formerly Invitae), Labcorp
Classification: Uncertain significance. Last evaluated: 2025-06-08. Review status: criteria provided, single submitter. Criteria: Invitae Variant Classification Sherloc (09022015). Collection method: clinical testing. Allele origin: germline.
Comment: This sequence change replaces proline, which is neutral and non-polar, with serine, which is neutral and polar, at codon 158 of the LAMB3 protein (p.Pro158Ser). This variant is present in population databases (rs779979101, gnomAD 0.01%). This variant has not been reported in the literature in individuals affected with LAMB3-related conditions. An algorithm developed to predict the effect of missense changes on protein structure and function (PolyPhen-2) suggests that this variant is likely to be disruptive. In summary, the available evidence is currently insufficient to determine the role of this variant in disease. Therefore, it has been classified as a Variant of Uncertain Significance.